The following is an entry in ClinVar:

ClinVar aggregate classification (germline): Likely pathogenic (1 of 4 stars; one submission).

Submission:

Labcorp Genetics (formerly Invitae), Labcorp
Classification: Likely pathogenic. Last evaluated: 2023-06-07. Review status: criteria provided, single submitter. Criteria: Invitae Variant Classification Sherloc (09022015). Collection method: clinical testing. Allele origin: germline.
Comment: In summary, the currently available evidence indicates that the variant is pathogenic, but additional data are needed to prove that conclusively. Therefore, this variant has been classified as Likely Pathogenic. Algorithms developed to predict the effect of sequence changes on RNA splicing suggest that this variant may disrupt the consensus splice site. This variant has not been reported in the literature in individuals affected with TULP1-related conditions. This variant is not present in population databases (gnomAD no frequency). This variant results in the deletion of part of exon 3 (c.183_190+70delinsA) of the TULP1 gene. It is expected to disrupt RNA splicing. Variants that disrupt the donor or acceptor splice site typically lead to a loss of protein function (PMID: 16199547), and loss-of-function variants in TULP1 are known to be pathogenic (PMID: 8606774, 10549638, 15024725, 18055821).

Literature cited by the submitters: PubMed 16199547; PubMed 8606774; PubMed 10549638; PubMed 15024725; PubMed 18055821.

NM_003322.6(TULP1):c.183_190+70delinsA

Gene: TULP1 (TUB like protein 1; minus strand). Cytogenetic location: 6p21.31.
Variant type: Indel.
Coding change: c.183_190+70delinsA on transcript NM_003322.6 (MANE Select); coding-DNA position 183 through 70 bases into the intron after coding-DNA position 190, the reference bases replaced by A.
Molecular consequence: splice donor variant.
Genome position (GRCh38, 1-based): chr6:35,512,110-35,512,187, 78 bases replaced. GRCh37 (hg19): chr6:35,479,887-35,479,964.
Other names: c.183_190+70delinsA (NM_001289395.2).
Identifiers: ClinVar variation 2698920 (VCV002698920.3), dbSNP rs2533811095, ClinGen allele CA2697553307.